The following is an entry in ClinVar:

ClinVar aggregate classification (germline): Conflicting classifications of pathogenicity. Review status: criteria provided, conflicting classifications (1 of 4 stars). 2 submissions from 2 submitters: Uncertain significance (1); Benign (1). Last evaluated 2025-04-30.

Conditions:
Cardiovascular phenotype. Identifiers: MedGen CN230736.
Primary familial hypertrophic cardiomyopathy (HCM). Identifiers: Orphanet 99739, MedGen C0949658, MeSH D024741, MONDO:0024573. Inheritance: Various modes of inheritance.
Dilated cardiomyopathy 1AA (CMD1AA). Also called: CARDIOMYOPATHY, DILATED, 1AA, WITH OR WITHOUT LEFT VENTRICULAR NONCOMPACTION; CARDIOMYOPATHY, FAMILIAL HYPERTROPHIC, 23, WITH OR WITHOUT LEFT VENTRICULAR NONCOMPACTION; Cardiomyopathy, dilated, 1AA, with or without LVNC. Identifiers: Orphanet 154, MedGen C2677338, MONDO:0012808, OMIM 612158.

Allele frequency attached by ClinVar (database versions not stated): gnomAD 0.00001; TOPMed 0.00001; ExAC 0.00006.
gnomAD v4.1: 43 of 1,614,060 alleles (0.0027%); highest among the groups gnomAD compares: South Asian, 0.047%; no homozygotes.

Submissions (2):

Ambry Genetics
Classification: Uncertain significance for Cardiovascular phenotype. Last evaluated: 2025-04-30. Review status: criteria provided, single submitter. Criteria: Ambry Variant Classification Scheme 2023. Collection method: clinical testing. Allele origin: germline.
Comment: The p.A315D variant (also known as c.944C>A), located in coding exon 10 of the ACTN2 gene, results from a C to A substitution at nucleotide position 944. The alanine at codon 315 is replaced by aspartic acid, an amino acid with dissimilar properties. This amino acid position is conserved. In addition, this alteration is predicted to be tolerated by in silico analysis. Based on the available evidence, the clinical significance of this variant remains unclear.

Labcorp Genetics (formerly Invitae), Labcorp
Classification: Benign for Primary familial hypertrophic cardiomyopathy; Dilated cardiomyopathy 1AA. Last evaluated: 2025-04-24. Review status: criteria provided, single submitter. Criteria: Invitae Variant Classification Sherloc (09022015). Collection method: clinical testing. Allele origin: germline.

NM_001103.4(ACTN2):c.944C>A (p.Ala315Asp)

Gene: ACTN2 (actinin alpha 2; plus strand). Cytogenetic location: 1q43.
Variant type: single nucleotide variant.
Coding change: c.944C>A on transcript NM_001103.4 (MANE Select); coding-DNA position 944, C replaced by A.
Protein change: p.Ala315Asp; replaces alanine 315 with aspartic acid.
Molecular consequence: missense variant.
Genome position (GRCh38, 1-based): chr1:236,739,369, C>A. VCF-style: chr1-236739369-C-A. GRCh37 (hg19) VCF-style: chr1-236902669-C-A.
Other names: c.944C>A (NM_001103.2); c.944C>A, p.Ala315Asp (NM_001278343.2); c.320C>A, p.Ala107Asp (NM_001278344.2); short protein forms A107D, A315D.
Identifiers: ClinVar variation 970827 (VCV000970827.11), dbSNP rs779193065, ClinGen allele CA1473016.